The following is an entry in ClinVar:

NM_000020.3(ACVRL1):c.982C>T (p.His328Tyr)

Gene: ACVRL1 (activin A receptor like type 1; plus strand). Cytogenetic location: 12q13.13.
Variant type: single nucleotide variant.
Coding change: c.982C>T on transcript NM_000020.3 (MANE Select); coding-DNA position 982, C replaced by T.
Protein change: p.His328Tyr; replaces histidine 328 with tyrosine.
Molecular consequence: missense variant.
Genome position (GRCh38, 1-based): chr12:51,915,434, C>T. VCF-style: chr12-51915434-C-T. GRCh37 (hg19) VCF-style: chr12-52309218-C-T.
Other names: NM_000020.3(ACVRL1):c.982C>T; p.His328Tyr; c.982C>T, p.His328Tyr (NM_001077401.2); short protein forms H328Y.
Identifiers: ClinVar variation 848699 (VCV000848699.12), dbSNP rs1592224291, ClinGen allele CA384901425.

ClinVar aggregate classification (germline): Likely pathogenic. Review status: reviewed by expert panel (3 of 4 stars). 4 submissions from 4 submitters: Likely pathogenic (1). 3 of the submissions do not count toward it. Last evaluated 2024-03-15.

Conditions:
Cardiovascular phenotype. Identifiers: MedGen CN230736.
Telangiectasia, hereditary hemorrhagic, type 2 (HHT2). Also called: Telangiectasia, hereditary hemorrhagic, type II; ACVRL1-Related Hereditary Hemorrhagic Telangiectasia. Identifiers: Orphanet 774, MedGen C1838163, MONDO:0010880, OMIM 600376. Disease mechanism: loss of function.

Submissions (4):

ClinGen Hereditary Hemorrhagic Telangiectasia Variant Curation Expert Panel, ClinGen
Classification: Likely pathogenic for Telangiectasia, hereditary hemorrhagic, type 2. Last evaluated: 2024-03-15. Review status: reviewed by expert panel. Criteria: ClinGen HHT ACMG Specifications ACVRL1 V1.1.0. Collection method: curation. Allele origin: germline. Inheritance: Autosomal dominant inheritance.
Comment: The NM_000020.3: c.982C>T variant in ACVRL1 is a missense variant predicted to cause substitution of histidine by tyrosine at amino acid 328 (p.His328Tyr). This variant is absent from gnomAD v2.1.1 (PM2_Supporting). This variant has been reported in 3 probands with a phenotype consistent of HHT (PS4_Moderate; PMID: 27077548, 32300199, 17384219, 34872578, 24196379, Internal lab contributors). At least one patient's phenotype meets Curacao Criteria for HHT, and sequencing and large deletion/duplication analysis was performed for ENG and ACVRL1, which is highly specific for HHT (PP4_Moderate; Internal lab contributors). The computational predictor REVEL gives a score of 0.991, which is above the threshold of greater than or equal to 0.644, evidence that correlates with impact to ACVRL1 function (PP3). In summary, this variant meets the criteria to be classified as likely pathogenic for autosomal dominant hereditary hemorrhagic telangiectasia based on the ACMG/AMP criteria applied, as specified by the ClinGen Hereditary Hemorrhagic Telangiectasia Variant Curation Expert Panel: PM2_Supporting, PP3, PP4_Moderate, PS4_Moderate (specification version 1.0.0; 1/04/2024).

Labcorp Genetics (formerly Invitae), Labcorp
Classification: Pathogenic for Telangiectasia, hereditary hemorrhagic, type 2. Last evaluated: 2024-09-04. Review status: criteria provided, single submitter. Criteria: Invitae Variant Classification Sherloc (09022015). Collection method: clinical testing. Allele origin: germline. Not counted in ClinVar's aggregate classification.
Comment: This sequence change replaces histidine, which is basic and polar, with tyrosine, which is neutral and polar, at codon 328 of the ACVRL1 protein (p.His328Tyr). This variant is not present in population databases (gnomAD no frequency). This missense change has been observed in individuals with clinical features of hereditary hemorrhagic telangiectasia (PMID: 17384219, 24196379, 25970827, 27077548; internal data). This variant is also known as His328Thr. ClinVar contains an entry for this variant (Variation ID: 848699). Invitae Evidence Modeling of protein sequence and biophysical properties (such as structural, functional, and spatial information, amino acid conservation, physicochemical variation, residue mobility, and thermodynamic stability) indicates that this missense variant is expected to disrupt ACVRL1 protein function with a positive predictive value of 95%. This variant disrupts the p.His328 amino acid residue in ACVRL1. Other variant(s) that disrupt this residue have been observed in individuals with ACVRL1-related conditions (PMID: 16470589, 20414677, 29650961), which suggests that this may be a clinically significant amino acid residue. For these reasons, this variant has been classified as Pathogenic.

Fulgent Genetics
Classification: Likely pathogenic for Telangiectasia, hereditary hemorrhagic, type 2. Last evaluated: 2021-11-11. Review status: criteria provided, single submitter. Criteria: ACMG Guidelines, 2015. Collection method: clinical testing. Allele origin: unknown. Not counted in ClinVar's aggregate classification.

Ambry Genetics
Classification: Pathogenic for Cardiovascular phenotype. Last evaluated: 2021-11-05. Review status: criteria provided, single submitter. Criteria: Ambry Variant Classification Scheme 2023. Collection method: clinical testing. Allele origin: germline. Not counted in ClinVar's aggregate classification.
Comment: The p.H328Y pathogenic mutation (also known as c.982C>T), located in coding exon 6 of the ACVRL1 gene, results from a C to T substitution at nucleotide position 982. The histidine at codon 328 is replaced by tyrosine, an amino acid with similar properties. This alteration has been identified in multiple individuals with a clinical diagnosis of hereditary hemorrhagic telangiectasia (HHT) (Gedge F et al. J Mol Diagn, 2007 Apr;9:258-65; Komiyama M et al. J Hum Genet, 2014 Jan;59:37-41). A study analyzed the 3D structure of the ACVRL1 protein and showed that the histidine in this position forms hydrogen bonds with the protein backbone which are essential for its structure and the tyrosine substitution cannot create this same interaction (Heimdal K et al. Clin Genet, 2016 Feb;89:182-6). This variant is considered to be rare based on population cohorts in the Genome Aggregation Database (gnomAD). In addition, this alteration is predicted to be deleterious by in silico analysis. Based on the supporting evidence, this alteration is interpreted as a disease-causing mutation.

Literature cited by the submitters: PubMed 17384219 (cited by Labcorp Genetics (formerly Invitae), Labcorp and Ambry Genetics); PubMed 24196379 (cited by Labcorp Genetics (formerly Invitae), Labcorp and Ambry Genetics); PubMed 25970827 (cited by Labcorp Genetics (formerly Invitae), Labcorp and Ambry Genetics); PubMed 27077548 (cited by Labcorp Genetics (formerly Invitae), Labcorp); PubMed 16470589 (cited by Labcorp Genetics (formerly Invitae), Labcorp); PubMed 20414677 (cited by Labcorp Genetics (formerly Invitae), Labcorp); PubMed 29650961 (cited by Labcorp Genetics (formerly Invitae), Labcorp).